The following is an entry in ClinVar:

NM_004453.4(ETFDH):c.831+3A>C

Gene: ETFDH (electron transfer flavoprotein dehydrogenase; plus strand). Cytogenetic location: 4q32.1.
Variant type: single nucleotide variant.
Coding change: c.831+3A>C on transcript NM_004453.4 (MANE Select); 3 bases into the intron after coding-DNA position 831, A replaced by C.
Molecular consequence: intron variant.
Genome position (GRCh38, 1-based): chr4:158,695,646, A>C. VCF-style: chr4-158695646-A-C. GRCh37 (hg19) VCF-style: chr4-159616798-A-C.
Other names: c.690+3A>C (NM_001281737.2); c.648+3A>C (NM_001281738.1).
Identifiers: ClinVar variation 1066263 (VCV001066263.9), dbSNP rs1426349276, ClinGen allele CA2499217146.

ClinVar aggregate classification (germline): Likely pathogenic (1 of 4 stars; one submission).

Conditions:
Multiple acyl-CoA dehydrogenase deficiency (MADD). Also called: Glutaric aciduria, type 2; Glutaric Acidemia type 2; Glutaric acidemia type II; GA 2; ETHYLMALONIC-ADIPICACIDURIA; GA II. Identifiers: Orphanet 26791, MedGen C0268596, MONDO:0009282, OMIM 231680.

Submission:

Labcorp Genetics (formerly Invitae), Labcorp
Classification: Likely pathogenic for Multiple acyl-CoA dehydrogenase deficiency. Last evaluated: 2023-10-29. Review status: criteria provided, single submitter. Criteria: Invitae Variant Classification Sherloc (09022015). Collection method: clinical testing. Allele origin: germline.
Comment: This sequence change falls in intron 7 of the ETFDH gene. It does not directly change the encoded amino acid sequence of the ETFDH protein. It affects a nucleotide within the consensus splice site. This variant is not present in population databases (gnomAD no frequency). This variant has been observed in individual(s) with multiple Acyl-CoA dehydrogenase deficiency (PMID: 30027710). In at least one individual the data is consistent with being in trans (on the opposite chromosome) from a pathogenic variant. ClinVar contains an entry for this variant (Variation ID: 1066263). Variants that disrupt the consensus splice site are a relatively common cause of aberrant splicing (PMID: 17576681, 9536098). Algorithms developed to predict the effect of sequence changes on RNA splicing suggest that this variant may disrupt the consensus splice site. In summary, the currently available evidence indicates that the variant is pathogenic, but additional data are needed to prove that conclusively. Therefore, this variant has been classified as Likely Pathogenic.

Literature cited by the submitters: PubMed 30027710; PubMed 17576681; PubMed 9536098.